The following is an entry in ClinVar:

NC_000014.9:g.102573453_103575949del

Genes: AMN (amnion associated transmembrane protein; plus strand), BAG5 (BAG cochaperone 5; minus strand), CDC42BPB (CDC42 binding protein kinase beta; minus strand), CKB (creatine kinase B; minus strand), COA8 (cytochrome c oxidase assembly factor 8; plus strand) and 84 more. Cytogenetic location: 14q32.31-32.33.
Variant type: Deletion.
Identifiers: ClinVar variation 2429110 (VCV002429110.6).

ClinVar aggregate classification (germline): Pathogenic (1 of 4 stars; one submission).

Conditions:
Mitochondrial complex IV deficiency, nuclear type 17. Also called: Mitochondrial complex 4 deficiency, nuclear type 17. Identifiers: MedGen C5436718, MONDO:0033652, OMIM 619061.

Submission:

MyeliNeuroGene Lab, McGill University Health Center Research Institute
Classification: Pathogenic for Mitochondrial complex IV deficiency, nuclear type 17. Review status: criteria provided, single submitter. Criteria: ACMG Guidelines, 2015. Collection method: clinical testing. Allele origin: inherited. Affected: yes. Observed: 1 homozygote.
Comment: Similar deletions resulting in loss of exon 3 also demonstrate COA8 COX deficiency.

Literature cited by the submitters: PubMed 25175347; PubMed 29577824.